The following is an entry in ClinVar:

ClinVar aggregate classification (germline): Conflicting classifications of pathogenicity. Review status: criteria provided, conflicting classifications (1 of 4 stars). 2 submissions from 2 submitters: Uncertain significance (1); Likely benign (1). Last evaluated 2024-07-30.

Conditions:
Hereditary cancer-predisposing syndrome. Also called: Tumor predisposition; Hereditary Cancer Syndrome; Hereditary neoplastic syndrome; Neoplastic Syndromes, Hereditary. Identifiers: Orphanet 140162, MedGen C0027672, MeSH D009386, MONDO:0015356.
Familial cancer of breast. Also called: BREAST CANCER, FAMILIAL; Hereditary breast cancer; hereditary breast carcinoma. Identifiers: Orphanet 227535, MedGen C0346153, MONDO:0016419, OMIM 114480. Disease mechanism: loss of function.

Submissions (2):

Ambry Genetics
Classification: Likely benign for Hereditary cancer-predisposing syndrome. Last evaluated: 2024-07-30. Review status: criteria provided, single submitter. Criteria: Ambry Variant Classification Scheme 2023. Collection method: clinical testing. Allele origin: germline.

Labcorp Genetics (formerly Invitae), Labcorp
Classification: Uncertain significance for Familial cancer of breast. Last evaluated: 2016-07-06. Review status: criteria provided, single submitter. Criteria: Invitae Variant Classification Sherloc (09022015). Collection method: clinical testing. Allele origin: germline.
Comment: This variant is not present in population databases (ExAC no frequency) and has not been reported in the literature in individuals with a PALB2-related disease. In summary, this variant is a novel missense change that is not predicted to affect protein function. There is no indication that it causes disease, but the available evidence is currently insufficient to prove that conclusively. Therefore, it has been classified as a Variant of Uncertain Significance. Algorithms developed to predict the effect of missense changes on protein structure and function output the following: (SIFT: "Tolerated"; PolyPhen-2: "Benign"; Align-GVGD: "Class C0"). The asparagine amino acid residue is also found in multiple mammalian species, suggesting that this missense change does not adversely affect protein function. These predictions have not been confirmed by published functional studies. This sequence change replaces serine with asparagine at codon 201 of the PALB2 protein (p.Ser201Asn). The serine residue is moderately conserved and there is a small physicochemical difference between serine and asparagine.

NM_024675.4(PALB2):c.602G>A (p.Ser201Asn)

Gene: PALB2 (partner and localizer of BRCA2; minus strand). Cytogenetic location: 16p12.2.
Variant type: single nucleotide variant.
Coding change: c.602G>A on transcript NM_024675.4 (MANE Select); coding-DNA position 602, G replaced by A.
Protein change: p.Ser201Asn; replaces serine 201 with asparagine.
Molecular consequence: missense variant.
Genome position (GRCh38, 1-based): chr16:23,635,944, C>T on the plus strand (G>A on the coding strand, the complement: PALB2 is on the minus strand). VCF-style: chr16-23635944-C-T. GRCh37 (hg19) VCF-style: chr16-23647265-C-T.
Other names: short protein forms S201N.
Identifiers: ClinVar variation 410193 (VCV000410193.10), dbSNP rs1060502790, ClinGen allele CA16615115.